The following is an entry in ClinVar:

ClinVar aggregate classification (germline): Uncertain significance (1 of 4 stars; one submission).

Conditions:
Hereditary sensory and autonomic neuropathy type 6. Also called: HSAN VI; Neuropathy, hereditary sensory and autonomic, type VI. Identifiers: Orphanet 314381, MedGen C3539003, MONDO:0013839, OMIM 614653.
Epidermolysis bullosa simplex 3, localized or generalized intermediate, with BP230 deficiency (EBS3). Also called: Epidermolysis bullosa simplex, autosomal recessive 2; Epidermolysis bullosa simplex due to BP230 deficiency. Identifiers: Orphanet 412181, MedGen C3809470, MONDO:0014180, OMIM 615425.

Submission:

Labcorp Genetics (formerly Invitae), Labcorp
Classification: Uncertain significance for Epidermolysis bullosa simplex 3, localized or generalized intermediate, with BP230 deficiency; Hereditary sensory and autonomic neuropathy type 6. Last evaluated: 2021-10-31. Review status: criteria provided, single submitter. Criteria: Invitae Variant Classification Sherloc (09022015). Collection method: clinical testing. Allele origin: germline.
Comment: The DST gene has multiple clinically relevant transcripts. This variant occurs in alternate transcript NM_015548.4, and corresponds to NM_001723.5:c.*21721G>T in the primary transcript. This sequence change replaces glycine, which is neutral and non-polar, with valine, which is neutral and non-polar, at codon 1575 of the DST protein (p.Gly1575Val). This variant is not present in population databases (gnomAD no frequency). This variant has not been reported in the literature in individuals affected with DST-related conditions. Experimental studies and prediction algorithms are not available or were not evaluated, and the functional significance of this variant is currently unknown. In summary, the available evidence is currently insufficient to determine the role of this variant in disease. Therefore, it has been classified as a Variant of Uncertain Significance.

NM_001374736.1(DST):c.12593G>T (p.Gly4198Val)

Gene: DST (dystonin; minus strand). Cytogenetic location: 6p12.1.
Variant type: single nucleotide variant.
Coding change: c.12593G>T on transcript NM_001374736.1 (MANE Select); coding-DNA position 12593, G replaced by T.
Protein change: p.Gly4198Val; replaces glycine 4198 with valine.
Molecular consequence: missense variant.
Genome position (GRCh38, 1-based): chr6:56,593,796, C>A on the plus strand (G>T on the coding strand, the complement: DST is on the minus strand). VCF-style: chr6-56593796-C-A. GRCh37 (hg19) VCF-style: chr6-56458594-C-A.
Other names: c.6236G>T, p.Gly2079Val (NM_001144769.5); c.5822G>T, p.Gly1941Val (NM_001144770.2); c.12593G>T, p.Gly4198Val (NM_001374722.1); c.11960G>T, p.Gly3987Val (NM_001374729.1); c.5702G>T, p.Gly1901Val (NM_001374730.1, NM_001386100.1, NM_183380.4); c.12620G>T, p.Gly4207Val (NM_001374734.1); c.4724G>T, p.Gly1575Val (NM_015548.5); short protein forms G4207V, G1575V, G3987V, G4198V, G1901V, G1941V, G2079V.
Identifiers: ClinVar variation 1415221 (VCV001415221.3), dbSNP rs2152688609, ClinGen allele CA364525695.